The following is an entry in ClinVar:

NM_000031.6(ALAD):c.714+8del

Gene: ALAD (aminolevulinate dehydratase; minus strand). Cytogenetic location: 9q32.
Variant type: Deletion.
Coding change: c.714+8del on transcript NM_000031.6 (MANE Select); 8 bases into the intron after coding-DNA position 714, one base deleted (A; older notation c.714+8delA).
Molecular consequence: intron variant.
Genome position (GRCh38, 1-based): chr9:113,389,591, T deleted on the plus strand (A on the coding strand, the reverse complement: ALAD is on the minus strand). VCF-style (leftmost placement, unchanged base first): chr9-113389590-GT-G. GRCh37 (hg19) VCF-style: chr9-116151870-GT-G.
Other names: c.801+8del (NM_001003945.3); c.690+8del (NM_001317745.2).
Identifiers: ClinVar variation 3356613 (VCV003356613.2).

ClinVar aggregate classification (germline): Likely benign. Review status: criteria provided, single submitter (1 of 4 stars). 2 submissions from 2 submitters: Likely benign (1). 1 of the submissions does not count toward it. Last evaluated 2025-09-19.

Conditions:
ALAD-related disorder. Also called: ALAD-related condition.

Submissions (2):

Labcorp Genetics (formerly Invitae), Labcorp
Classification: Likely benign. Last evaluated: 2025-09-19. Review status: criteria provided, single submitter. Criteria: Invitae Variant Classification Sherloc (09022015). Collection method: clinical testing. Allele origin: germline.

PreventionGenetics, part of Exact Sciences
Classification: Likely benign for ALAD-related condition. Last evaluated: 2019-12-17. Review status: no assertion criteria provided. Collection method: clinical testing. Allele origin: germline. Not counted in ClinVar's aggregate classification.
Comment: This variant is classified as likely benign based on ACMG/AMP sequence variant interpretation guidelines (Richards et al. 2015 PMID: 25741868, with internal and published modifications).